The following is an entry in ClinVar:

ClinVar aggregate classification (germline): Uncertain significance (1 of 4 stars; one submission).

Allele frequency attached by ClinVar (database versions not stated): gnomAD exomes below 0.00001; TOPMed below 0.00001.

Submission:

Labcorp Genetics (formerly Invitae), Labcorp
Classification: Uncertain significance. Last evaluated: 2022-07-11. Review status: criteria provided, single submitter. Criteria: Invitae Variant Classification Sherloc (09022015). Collection method: clinical testing. Allele origin: germline.
Comment: This sequence change falls in intron 25 of the SBF1 gene. It does not directly change the encoded amino acid sequence of the SBF1 protein. It affects a nucleotide within the consensus splice site. This variant is present in population databases (no rsID available, gnomAD 0.0009%). This variant has not been reported in the literature in individuals affected with SBF1-related conditions. Variants that disrupt the consensus splice site are a relatively common cause of aberrant splicing (PMID: 17576681, 9536098). Algorithms developed to predict the effect of sequence changes on RNA splicing suggest that this variant is not likely to affect RNA splicing. In summary, the available evidence is currently insufficient to determine the role of this variant in disease. Therefore, it has been classified as a Variant of Uncertain Significance.

Literature cited by the submitters: PubMed 17576681; PubMed 9536098.

NM_002972.4(SBF1):c.3283+5del

Gene: SBF1 (SET binding factor 1; minus strand). Cytogenetic location: 22q13.33.
Variant type: Deletion.
Coding change: c.3283+5del on transcript NM_002972.4 (MANE Select); 5 bases into the intron after coding-DNA position 3283, one base deleted (A; older notation c.3283+5delA).
Molecular consequence: intron variant.
Genome position (GRCh38, 1-based): chr22:50,460,267, T deleted on the plus strand (A on the coding strand, the reverse complement: SBF1 is on the minus strand). VCF-style (leftmost placement, unchanged base first): chr22-50460266-CT-C. GRCh37 (hg19) VCF-style: chr22-50898695-CT-C.
Other names: c.3286+5del (NM_001365819.1).
Identifiers: ClinVar variation 1983986 (VCV001983986.4), dbSNP rs1212593048, ClinGen allele CA640356190.
Genomic context (GRCh38, chr22:50,460,266, plus strand): 5'-CCCTGATCCTCCCTGGCCAATGTCAGCATCCAGAGACCACCCAGGACTCCACCCCCACCC[CT>C]CCACCTGAGATCTCGTCCTCCTGGTCCTCAGGGGGCGGCTGGCCCCGGTGCTCCCAGCTG-3'